The following is an entry in ClinVar:

NM_001356.5(DDX3X):c.1210del (p.Ala404fs)

Gene: DDX3X (DEAD-box helicase 3 X-linked; plus strand). Cytogenetic location: Xp11.4.
Variant type: Deletion.
Coding change: c.1210del on transcript NM_001356.5 (MANE Select); coding-DNA position 1210, one base deleted (G; older notation c.1210delG).
Protein change: p.Ala404fs; shifts the reading frame from alanine 404.
Molecular consequence: frameshift variant. On other transcripts: non-coding transcript variant (1).
Genome position (GRCh38, 1-based): chrX:41,345,443, G deleted; the last of 2 consecutive G bases (chrX:41,345,442-41,345,443); deleting either gives the same sequence. VCF-style (leftmost placement, unchanged base first): chrX-41345441-TG-T. GRCh37 (hg19) VCF-style: chrX-41204694-TG-T.
Other names: c.1210del, p.Ala404fs (NM_001193416.3); c.1162del, p.Ala388fs (NM_001193417.3); c.652del, p.Ala218fs (NM_001363819.1); short protein forms A218fs, A404fs, A388fs.
Identifiers: ClinVar variation 207820 (VCV000207820.2), dbSNP rs796052238, ClinGen allele CA319647.

ClinVar aggregate classification (germline): Pathogenic (1 of 4 stars; one submission).

Submission:

GeneDx
Classification: Pathogenic. Last evaluated: 2017-04-06. Review status: criteria provided, single submitter. Criteria: GeneDx Variant Classification (06012015). Collection method: clinical testing. Allele origin: germline. Affected: yes.
Comment: The c.1210delG variant in the DDX3X gene has not been reported previously as a pathogenic variant nor as a benign variant, to our knowledge. The c.1210delG variant causes a frameshift starting with codon Alanine 404, changes this amino acid to a Leucine residue, and creates a premature Stop codon at position 2 of the new reading frame, denoted p.Ala404LeufsX2. This variant is predicted to cause loss of normal protein function either through protein truncation or nonsense-mediated mRNA decay. The c.1210delG variant is not observed in large population cohorts (Lek et al., 2016; 1000 Genomes Consortium et al., 2015; Exome Variant Server). We interpret c.1210delG as a pathogenic variant.